The following is an entry in ClinVar:

NM_024577.4(SH3TC2):c.3426T>A (p.Tyr1142Ter)

Gene: SH3TC2 (SH3 domain and tetratricopeptide repeats 2; minus strand). Cytogenetic location: 5q32.
Variant type: single nucleotide variant.
Coding change: c.3426T>A on transcript NM_024577.4 (MANE Select); coding-DNA position 3426, T replaced by A.
Protein change: p.Tyr1142Ter; replaces tyrosine 1142 with a stop codon.
Molecular consequence: nonsense.
Genome position (GRCh38, 1-based): chr5:149,008,903, A>T on the plus strand (T>A on the coding strand, the complement: SH3TC2 is on the minus strand). VCF-style: chr5-149008903-A-T. GRCh37 (hg19) VCF-style: chr5-148388466-A-T.
Other names: short protein forms Y1142*.
Identifiers: ClinVar variation 4808304 (VCV004808304.1).

ClinVar aggregate classification (germline): Pathogenic (1 of 4 stars; one submission).

Conditions:
Charcot-Marie-Tooth disease type 4. Also called: Charcot-Marie-Tooth, Type 4; Charcot-Marie-Tooth disease, type IV. Identifiers: Orphanet 64749, MedGen C4082197, MONDO:0018995.

gnomAD v4.1: 1 of 1,614,070 alleles (0.000062%); highest among the groups gnomAD compares: Non-Finnish European, 0.000085%; no homozygotes.

Submission:

Labcorp Genetics (formerly Invitae), Labcorp
Classification: Pathogenic for Charcot-Marie-Tooth disease type 4. Last evaluated: 2025-06-14. Review status: criteria provided, single submitter. Criteria: Invitae Variant Classification Sherloc (09022015). Collection method: clinical testing. Allele origin: germline.
Comment: This sequence change creates a premature translational stop signal (p.Tyr1142*) in the SH3TC2 gene. It is expected to result in an absent or disrupted protein product. Loss-of-function variants in SH3TC2 are known to be pathogenic (PMID: 20220177, 27068304). This variant is not present in population databases (gnomAD no frequency). This variant has not been reported in the literature in individuals affected with SH3TC2-related conditions. For these reasons, this variant has been classified as Pathogenic.

Literature cited by the submitters: PubMed 20220177; PubMed 27068304.